The following is an entry in ClinVar:

ClinVar aggregate classification (germline): Uncertain significance (1 of 4 stars; one submission).

Conditions:
Marfan syndrome (MFS). Also called: MARFAN SYNDROME, TYPE I; Marfan syndrome type 1; Marfan's syndrome; Marfan syndrome, classic; FBN1-Related Marfan Syndrome. Identifiers: Orphanet 284963, Orphanet 558, MedGen C0024796, MONDO:0007947, OMIM 154700.
Familial thoracic aortic aneurysm and aortic dissection (TAAD). Also called: Thoracic aortic aneurysms and dissections. Identifiers: Orphanet 91387, MedGen C4707243, MONDO:0019625.

Submission:

Labcorp Genetics (formerly Invitae), Labcorp
Classification: Uncertain significance for Marfan syndrome; Familial thoracic aortic aneurysm and aortic dissection. Last evaluated: 2023-11-01. Review status: criteria provided, single submitter. Criteria: Invitae Variant Classification Sherloc (09022015). Collection method: clinical testing. Allele origin: germline.
Comment: This sequence change falls in intron 34 of the FBN1 gene. It does not directly change the encoded amino acid sequence of the FBN1 protein. It affects a nucleotide within the consensus splice site. This variant is not present in population databases (gnomAD no frequency). This variant has not been reported in the literature in individuals affected with FBN1-related conditions. Variants that disrupt the consensus splice site are a relatively common cause of aberrant splicing (PMID: 17576681, 9536098). Algorithms developed to predict the effect of sequence changes on RNA splicing suggest that this variant may create or strengthen a splice site. In summary, the available evidence is currently insufficient to determine the role of this variant in disease. Therefore, it has been classified as a Variant of Uncertain Significance.

Literature cited by the submitters: PubMed 17576681; PubMed 9536098.

NM_000138.5(FBN1):c.4210+3A>T

Gene: FBN1 (fibrillin 1; minus strand). Cytogenetic location: 15q21.1.
Variant type: single nucleotide variant.
Coding change: c.4210+3A>T on transcript NM_000138.5 (MANE Select); 3 bases into the intron after coding-DNA position 4210, A replaced by T.
Molecular consequence: intron variant.
Genome position (GRCh38, 1-based): chr15:48,474,252, T>A on the plus strand (A>T on the coding strand, the complement: FBN1 is on the minus strand). VCF-style: chr15-48474252-T-A. GRCh37 (hg19) VCF-style: chr15-48766449-T-A.
Other names: c.4210+3A>T (NM_001406716.1).
Identifiers: ClinVar variation 2953452 (VCV002953452.3), dbSNP rs1457293645, ClinGen allele CA2740096595.